The following is an entry in ClinVar:

NM_144670.6(A2ML1):c.1238T>A (p.Val413Asp)

Gene: A2ML1 (alpha-2-macroglobulin like 1; plus strand). Cytogenetic location: 12p13.31.
Variant type: single nucleotide variant.
Coding change: c.1238T>A on transcript NM_144670.6 (MANE Select); coding-DNA position 1238, T replaced by A.
Protein change: p.Val413Asp; replaces valine 413 with aspartic acid.
Molecular consequence: missense variant.
Genome position (GRCh38, 1-based): chr12:8,841,526, T>A. VCF-style: chr12-8841526-T-A. GRCh37 (hg19) VCF-style: chr12-8994122-T-A.
Other names: short protein forms V413D.
Identifiers: ClinVar variation 2207272 (VCV002207272.6), dbSNP rs374480312, ClinGen allele CA6435573.

ClinVar aggregate classification (germline): Uncertain significance. Review status: criteria provided, multiple submitters, no conflicts (2 of 4 stars). 2 submissions from 2 submitters: Uncertain significance (2). Last evaluated 2025-05-24.

Allele frequency attached by ClinVar (database versions not stated): ExAC 0.00002; gnomAD exomes 0.00003; TOPMed 0.00003; gnomAD 0.00005; ESP Exome Variant Server 0.00008.

Submissions (2):

Ambry Genetics
Classification: Uncertain significance. Last evaluated: 2025-05-24. Review status: criteria provided, single submitter. Criteria: Ambry Variant Classification Scheme 2023. Collection method: clinical testing. Allele origin: germline.
Comment: The p.V413D variant (also known as c.1238T>A), located in coding exon 11 of the A2ML1 gene, results from a T to A substitution at nucleotide position 1238. The valine at codon 413 is replaced by aspartic acid, an amino acid with highly dissimilar properties. This amino acid position is conserved. In addition, the in silico prediction for this alteration is inconclusive. Based on the available evidence, the clinical significance of this variant remains unclear.

Labcorp Genetics (formerly Invitae), Labcorp
Classification: Uncertain significance. Last evaluated: 2023-11-10. Review status: criteria provided, single submitter. Criteria: Invitae Variant Classification Sherloc (09022015). Collection method: clinical testing. Allele origin: germline.
Comment: This sequence change replaces valine, which is neutral and non-polar, with aspartic acid, which is acidic and polar, at codon 413 of the A2ML1 protein (p.Val413Asp). This variant is present in population databases (rs374480312, gnomAD 0.008%). This variant has not been reported in the literature in individuals affected with A2ML1-related conditions. ClinVar contains an entry for this variant (Variation ID: 2207272). An algorithm developed to predict the effect of missense changes on protein structure and function (PolyPhen-2) suggests that this variant is likely to be disruptive. In summary, the available evidence is currently insufficient to determine the role of this variant in disease. Therefore, it has been classified as a Variant of Uncertain Significance.